The following is an entry in ClinVar:

NM_007289.4(MME):c.531del (p.Lys177fs)

Gene: MME (membrane metalloendopeptidase; plus strand). Cytogenetic location: 3q25.2.
Variant type: Deletion.
Coding change: c.531del on transcript NM_007289.4 (MANE Select); coding-DNA position 531, one base deleted (A; older notation c.531delA).
Protein change: p.Lys177fs; shifts the reading frame from lysine 177.
Molecular consequence: frameshift variant.
Genome position (GRCh38, 1-based): chr3:155,116,755, A deleted; the last of 5 consecutive A bases (chr3:155,116,751-155,116,755); deleting any one gives the same sequence. VCF-style (leftmost placement, unchanged base first): chr3-155116750-CA-C. GRCh37 (hg19) VCF-style: chr3-154834539-CA-C.
Other names: c.531delA (NM_007289.2); c.531del (NM_007289.2); c.531del, p.Lys177fs (NM_000902.5, NM_001354642.2, NM_001354643.1 and 2 more transcripts); short protein forms K177fs.
Identifiers: ClinVar variation 818075 (VCV000818075.10), dbSNP rs1190163112, ClinGen allele CA901041333.

ClinVar aggregate classification (germline): Pathogenic. Review status: criteria provided, multiple submitters, no conflicts (2 of 4 stars). 3 submissions from 3 submitters: Pathogenic (3). Last evaluated 2025-12-22.

Conditions:
Charcot-Marie-Tooth disease axonal type 2T. Identifiers: Orphanet 443950, MedGen C4015635, OMIM 617017, MONDO:0014866.

Submissions (3):

GeneDx
Classification: Pathogenic. Last evaluated: 2025-12-22. Review status: criteria provided, single submitter. Criteria: GeneDx Variant Classification Process June 2021. Collection method: clinical testing. Allele origin: germline. Affected: yes.
Comment: Identified in patients with clinical features consistent with MME-related neuropathy referred for genetic testing at GeneDx and in published literature (PMID: 33144514); Frameshift variant predicted to result in protein truncation or nonsense mediated decay in a gene for which loss-of-function is a known mechanism of disease; Not observed at significant frequency in large population cohorts (gnomAD); This variant is associated with the following publications: (PMID: 34476298, 33144514)

Labcorp Genetics (formerly Invitae), Labcorp
Classification: Pathogenic. Last evaluated: 2025-12-03. Review status: criteria provided, single submitter. Criteria: Invitae Variant Classification Sherloc (09022015). Collection method: clinical testing. Allele origin: germline.
Comment: This sequence change creates a premature translational stop signal (p.Lys177Asnfs*15) in the MME gene. It is expected to result in an absent or disrupted protein product. Loss-of-function variants in MME are known to be pathogenic (PMID: 26991897). This variant is not present in population databases (gnomAD no frequency). This premature translational stop signal has been observed in individual(s) with clinical features of MME-related conditions (PMID: 33144514). ClinVar contains an entry for this variant (Variation ID: 818075). For these reasons, this variant has been classified as Pathogenic.

CMT Laboratory, Bogazici University
Classification: Pathogenic for Charcot-Marie-Tooth disease axonal type 2T. Last evaluated: 2020-12-01. Review status: criteria provided, single submitter. Criteria: ACMG Guidelines, 2015. Collection method: clinical testing. Allele origin: germline. Affected: yes. Observed: 1 variant allele.

Literature cited by the submitters: PubMed 26991897 (cited by Labcorp Genetics (formerly Invitae), Labcorp); PubMed 33144514 (cited by Labcorp Genetics (formerly Invitae), Labcorp); PubMed 31673878 (cited by CMT Laboratory, Bogazici University).